The following is an entry in ClinVar:

ClinVar aggregate classification (germline): Pathogenic (1 of 4 stars; one submission).

Submission:

Labcorp Genetics (formerly Invitae), Labcorp
Classification: Pathogenic. Last evaluated: 2024-10-24. Review status: criteria provided, single submitter. Criteria: Invitae Variant Classification Sherloc (09022015). Collection method: clinical testing. Allele origin: germline.
Comment: This sequence change creates a premature translational stop signal (p.Val18Serfs*46) in the MEOX1 gene. It is expected to result in an absent or disrupted protein product. Loss-of-function variants in MEOX1 are known to be pathogenic (PMID: 23290072, 24073994). This variant is not present in population databases (gnomAD no frequency). This variant has not been reported in the literature in individuals affected with MEOX1-related conditions. For these reasons, this variant has been classified as Pathogenic.

Literature cited by the submitters: PubMed 23290072; PubMed 24073994.

NM_004527.4(MEOX1):c.44_50dup (p.Val18fs)

Gene: MEOX1 (mesenchyme homeobox 1; minus strand). Cytogenetic location: 17q21.31.
Variant type: Microsatellite.
Coding change: c.44_50dup on transcript NM_004527.4 (MANE Select); coding-DNA positions 44 to 50, 7 bases duplicated (CAGCCCC; older notation c.44_50dupCAGCCCC).
Protein change: p.Val18fs; shifts the reading frame from valine 18.
Molecular consequence: frameshift variant. On other transcripts: intron variant (1).
Genome position (GRCh38, 1-based): chr17:43,661,485-43,661,491, GGGGCTG duplicated on the plus strand (CAGCCCC on the coding strand, the reverse complement: MEOX1 is on the minus strand); duplicating any 7 consecutive bases within chr17:43,661,485-43,661,499 gives the same sequence; the c. name uses the placement nearest the transcript's 3' end. VCF-style (leftmost placement, unchanged base first): chr17-43661484-A-AGGGGCTG. GRCh37 (hg19) VCF-style: chr17-41738852-A-AGGGGCTG.
Other names: c.44_50dup, p.Val18fs (NM_013999.4); c.-204-105CAGCCCC[3] (NM_001040002.2); short protein forms V18fs.
Identifiers: ClinVar variation 2788245 (VCV002788245.3), dbSNP rs1973143259, ClinGen allele CA2261028418.